The following is an entry in ClinVar:

NM_024334.3(TMEM43):c.297+13G>A

Gene: TMEM43 (transmembrane protein 43; plus strand). Cytogenetic location: 3p25.1.
Variant type: single nucleotide variant.
Coding change: c.297+13G>A on transcript NM_024334.3 (MANE Select); 13 bases into the intron after coding-DNA position 297, G replaced by A.
Molecular consequence: intron variant.
Genome position (GRCh38, 1-based): chr3:14,130,969, G>A. VCF-style: chr3-14130969-G-A. GRCh37 (hg19) VCF-style: chr3-14172469-G-A.
Identifiers: ClinVar variation 46142 (VCV000046142.7), dbSNP rs397517381, ClinGen allele CA024653.

ClinVar aggregate classification (germline): Likely benign. Review status: criteria provided, multiple submitters, no conflicts (2 of 4 stars). 2 submissions from 2 submitters: Likely benign (2). Last evaluated 2025-05-12.

Conditions:
Arrhythmogenic right ventricular dysplasia 5. Also called: Arrhythmogenic Right Ventricular Dysplasia/Cardiomyopathy 5; ARRHYTHMOGENIC RIGHT VENTRICULAR DYSPLASIA, FAMILIAL, 5. Identifiers: MedGen C1858379, MONDO:0011459, OMIM 604400.

Allele frequency attached by ClinVar (database versions not stated): TOPMed below 0.00001; gnomAD exomes below 0.00001.

Submissions (2):

Labcorp Genetics (formerly Invitae), Labcorp
Classification: Likely benign for Arrhythmogenic right ventricular dysplasia 5. Last evaluated: 2025-05-12. Review status: criteria provided, single submitter. Criteria: Invitae Variant Classification Sherloc (09022015). Collection method: clinical testing. Allele origin: germline.

Laboratory for Molecular Medicine, Mass General Brigham Personalized Medicine
Classification: Likely benign. Last evaluated: 2012-07-18. Review status: criteria provided, single submitter. Criteria: LMM Criteria. Collection method: clinical testing. Allele origin: germline. Observed: 1 variant allele.
Comment: 297+13G>A in intron 03 of TMEM43: This variant is not expected to have clinical significance because it is not located within the conserved splice consensus seq uence. 297+13G>A in intron 03 of TMEM43 (allele frequency= n/a)